The following is an entry in ClinVar:

NM_021267.5(CERS1):c.511A>G (p.Thr171Ala)

Genes: CERS1 (ceramide synthase 1; minus strand), GDF1 (growth differentiation factor 1; minus strand). Cytogenetic location: 19p13.11.
Variant type: single nucleotide variant.
Coding change: c.511A>G on transcript NM_021267.5 (MANE Select); coding-DNA position 511, A replaced by G.
Protein change: p.Thr171Ala; replaces threonine 171 with alanine.
Molecular consequence: missense variant. On other transcripts: 5 prime UTR variant (2).
Genome position (GRCh38, 1-based): chr19:18,884,166, T>C on the plus strand (A>G on the coding strand, the complement: CERS1 is on the minus strand). VCF-style: chr19-18884166-T-C. GRCh37 (hg19) VCF-style: chr19-18994975-T-C.
Other names: c.217A>G, p.Thr73Ala (NM_001290265.2, NM_001387442.1, NM_001387443.1 and 2 more transcripts); c.511A>G, p.Thr171Ala (NM_001387439.1, NM_001387440.1, NM_001387441.1 and 1 more transcripts); c.-392A>G (NM_001387438.1); c.-812A>G (NM_001492.6); short protein forms T171A, T73A.
Identifiers: ClinVar variation 1061005 (VCV001061005.9), dbSNP rs1295251261, ClinGen allele CA404866967.

ClinVar aggregate classification (germline): Uncertain significance (1 of 4 stars; one submission).

Conditions:
Progressive myoclonic epilepsy type 8. Identifiers: Orphanet 424027, MedGen C5190825, MONDO:0014545, OMIM 616230.

Allele frequency attached by ClinVar (database versions not stated): gnomAD exomes below 0.00001.
gnomAD v4.1: 1 of 1,613,326 alleles (0.000062%); highest among the groups gnomAD compares: Admixed American, 0.0017%; no homozygotes.

Submission:

Labcorp Genetics (formerly Invitae), Labcorp
Classification: Uncertain significance for Progressive myoclonic epilepsy type 8. Last evaluated: 2020-05-24. Review status: criteria provided, single submitter. Criteria: Invitae Variant Classification Sherloc (09022015). Collection method: clinical testing. Allele origin: germline.
Comment: This variant is not present in population databases (ExAC no frequency). In summary, the available evidence is currently insufficient to determine the role of this variant in disease. Therefore, it has been classified as a Variant of Uncertain Significance. Algorithms developed to predict the effect of missense changes on protein structure and function output the following: SIFT: "Tolerated"; PolyPhen-2: "Benign"; Align-GVGD: "Class C0". The alanine amino acid residue is found in multiple mammalian species, suggesting that this missense change does not adversely affect protein function. These predictions have not been confirmed by published functional studies and their clinical significance is uncertain. This variant has not been reported in the literature in individuals with CERS1-related conditions. This sequence change replaces threonine with alanine at codon 171 of the CERS1 protein (p.Thr171Ala). The threonine residue is weakly conserved and there is a small physicochemical difference between threonine and alanine.